The following is an entry in ClinVar:

NM_000530.8(MPZ):c.434A>C (p.Tyr145Ser)

Gene: MPZ (myelin protein zero; minus strand). Cytogenetic location: 1q23.3.
Variant type: single nucleotide variant.
Coding change: c.434A>C on transcript NM_000530.8 (MANE Select); coding-DNA position 434, A replaced by C.
Protein change: p.Tyr145Ser; replaces tyrosine 145 with serine.
Molecular consequence: missense variant.
Genome position (GRCh38, 1-based): chr1:161,306,722, T>G on the plus strand (A>C on the coding strand, the complement: MPZ is on the minus strand). VCF-style: chr1-161306722-T-G. GRCh37 (hg19) VCF-style: chr1-161276512-T-G.
Other names: c.434A>C, p.Tyr145Ser (LRG_256t1, NM_001315491.2); c.434A>C (NM_000530.7); short protein forms Y145S.
Identifiers: ClinVar variation 14191 (VCV000014191.21), dbSNP rs121913603, ClinGen allele CA257166.
Genomic context (GRCh38, chr1:161,306,722, plus strand): 5'-CCTCCCAAACTGCTTCCCATACCCTTGTCCCCATCCCTTCTCACACCTTTTTCAAAGACA[T>G]ACAGCGTGACCTGAGAGGTCTTGCCCACTATGTCTGGAGGGTTTTTGACGTCACAAGTGA-3'
Protein context (NP_000521.2, residues 135-155): IVGKTSQVTL[Tyr145Ser]VFEKVPTRYG

ClinVar aggregate classification (germline): Pathogenic. Review status: criteria provided, multiple submitters, no conflicts (2 of 4 stars). 7 submissions from 7 submitters: Pathogenic (6). 1 of the submissions does not count toward it. Last evaluated 2026-01-21.

Conditions:
Neuropathy, congenital hypomyelinating, 2. Identifiers: MedGen C4722277, MONDO:0020765, OMIM 618184.
Charcot-Marie-Tooth disease dominant intermediate D. Also called: Charcot-Marie-Tooth disease dominant intermediate 3; CMT DI3; CHARCOT-MARIE-TOOTH NEUROPATHY, DOMINANT INTERMEDIATE D. Identifiers: Orphanet 100046, MedGen C1843075, MONDO:0011909, OMIM 607791.
Charcot-Marie-Tooth disease type 1B. Also called: HEREDITARY MOTOR AND SENSORY NEUROPATHY I; HEREDITARY MOTOR AND SENSORY NEUROPATHY IB; Charcot-Marie-Tooth disease, demyelinating, type 1b; Hereditary motor and sensory neuropathy 1B; Charcot-Marie-Tooth disease, type IB; CHARCOT-MARIE-TOOTH DISEASE, AUTOSOMAL DOMINANT, WITH FOCALLY FOLDED MYELIN SHEATHS, TYPE 1B. Identifiers: Orphanet 101082, MedGen C0270912, MONDO:0007307, OMIM 118200.
Charcot-Marie-Tooth disease type 2I (CMT2I). Also called: CHARCOT-MARIE-TOOTH DISEASE, AXONAL, TYPE 2I. Identifiers: Orphanet 99942, MedGen C3888087, MONDO:0011889, OMIM 607677.
Charcot-Marie-Tooth disease type 2J (CMT2J). Also called: CHARCOT-MARIE-TOOTH DISEASE, AXONAL, TYPE 2J; CHARCOT-MARIE-TOOTH DISEASE, TYPE 2, WITH HEARING LOSS AND PUPILLARY ABNORMALITIES; CHARCOT-MARIE-TOOTH NEUROPATHY, TYPE 2J. Identifiers: Orphanet 99943, MedGen C1843153, MONDO:0011903, OMIM 607736.
MPZ-related disorder. Also called: MPZ-related condition; MPZ-related disorders.
Charcot-Marie-Tooth disease, type I (CMT1). Also called: Charcot-Marie-Tooth disease type 1; Charcot-Marie-Tooth, Type 1. Identifiers: Orphanet 65753, MedGen C0751036, MONDO:0019011.
Dejerine-Sottas disease. Also called: Charcot-Marie-Tooth disease type 3; HMSN Type III; HEREDITARY MOTOR AND SENSORY NEUROPATHY TYPE III; DEJERINE-SOTTAS NEUROPATHY; Hereditary motor and sensory neuropathy 3. Identifiers: Orphanet 64748, MedGen C0011195, MONDO:0007790, OMIM 145900.
Charcot-Marie-Tooth disease type 4E (CHN1). Also called: Congenital hypomyelinating neuropathy 1, autosomal recessive; CHARCOT-MARIE-TOOTH DISEASE, DEMYELINATING, TYPE 4E; HYPOMYELINATION, SEVERE CONGENITAL; Hypomyelinating neuropathy, congenital, 1; Congenital Hypomyelination. Identifiers: Orphanet 99951, MedGen C4721436, MONDO:0011527, OMIM 605253.
Roussy-Lévy syndrome. Also called: Roussy Levy hereditary areflexic dystasia; Roussy-Levy disease; Hereditary areflexic dystasia; Roussy-Levy Syndrome. Identifiers: Orphanet 3115, MedGen C0205713, MONDO:0008392, OMIM 180800.

Allele frequency attached by ClinVar (database versions not stated): gnomAD exomes 0.00001 and 0.00002; gnomAD 0.00004 and 0.00005; TOPMed 0.00004.
gnomAD v4.1: 13 of 1,613,976 alleles (0.00081%); highest among the groups gnomAD compares: Admixed American, 0.022%; no homozygotes.

Submissions (7):

Labcorp Genetics (formerly Invitae), Labcorp
Classification: Pathogenic for Charcot-Marie-Tooth disease, type I. Last evaluated: 2026-01-21. Review status: criteria provided, single submitter. Criteria: Invitae Variant Classification Sherloc (09022015). Collection method: clinical testing. Allele origin: germline.
Comment: This sequence change replaces tyrosine, which is neutral and polar, with serine, which is neutral and polar, at codon 145 of the MPZ protein (p.Tyr145Ser). This variant is present in population databases (rs121913603, gnomAD 0.01%). This missense change has been observed in individual(s) with hereditary peripheral neuropathy and hereditary sensory motor neuropathy with deafness (PMID: 12805115, 12845552). It has also been observed to segregate with disease in related individuals. Invitae Evidence Modeling of clinical and family history, age, sex, and reported ancestry of multiple individuals with this MPZ variant has been performed. This variant is expected to be pathogenic with a positive predictive value of at least 99%. This is a validated machine learning model that incorporates the clinical features of 13,236 individuals referred to our laboratory for MPZ testing. ClinVar contains an entry for this variant (Variation ID: 14191). Invitae Evidence Modeling of protein sequence and biophysical properties (such as structural, functional, and spatial information, amino acid conservation, physicochemical variation, residue mobility, and thermodynamic stability) indicates that this missense variant is not expected to disrupt MPZ protein function with a negative predictive value of 80%. For these reasons, this variant has been classified as Pathogenic.

Women's Health and Genetics/Laboratory Corporation of America, LabCorp
Classification: Pathogenic for MPZ-Related Disorders. Last evaluated: 2025-12-09. Review status: criteria provided, single submitter. Criteria: LabCorp Variant Classification Summary - May 2015. Collection method: clinical testing. Allele origin: germline.
Comment: Variant summary: MPZ c.434A>C (p.Tyr145Ser) results in a non-conservative amino acid change in the encoded protein sequence. Algorithms developed to predict the effect of missense changes on protein structure and function are either unavailable or do not agree on the potential impact of this missense change. The variant allele was found at a frequency of 2e-05 in 251494 control chromosomes. c.434A>C has been observed in one family with multiple family members affected with hereditary sensory motor neuropathy and deafness and in at least two other families with multiple family members affected with Charcot-Marie-Tooth disease type 1B (example: Starr_2003, Leal_2003, Sanmaneechai_2015). These data indicate that the variant is associated with disease. At least one publication reports experimental evidence evaluating an impact on protein function in which it was demonstrated that the variant results in retention of the protein in the endoplasmic reticulum (example: Bai_2018). ClinVar contains an entry for this variant (Variation ID: 14191). Based on the evidence outlined above, the variant was classified as pathogenic.

PreventionGenetics, part of Exact Sciences
Classification: Pathogenic for MPZ-related condition. Last evaluated: 2025-10-23. Review status: criteria provided, single submitter. Criteria: ACMG Guidelines, 2015. Collection method: clinical testing. Allele origin: germline.
Comment: The MPZ c.434A>C variant is predicted to result in the amino acid substitution p.Tyr145Ser. This variant has been reported in multiple individuals with autosomal dominant Charcot-Marie-Tooth disease (Leal et al 2003. PubMed ID: 12845552; Starr et al. 2003. PubMed ID: 12805115; Taniguchi T et al 2020. PubMed ID: 33179255). An in vitro experimental study suggests this variant impacts protein localization leading to increased endoplasmic reticulum retention (Bai et al. 2018. PubMed ID: 29687021). This variant is reported in 0.014% of alleles in individuals of Latino descent in gnomAD and is reported in ClinVar as pathogenic by several outside laboratories (Variation ID: 14191). Given the evidence, this variant is interpreted as pathogenic.

GeneDx
Classification: Pathogenic. Last evaluated: 2025-07-23. Review status: criteria provided, single submitter. Criteria: GeneDx Variant Classification Process June 2021. Collection method: clinical testing. Allele origin: germline. Affected: yes.
Comment: Published functional studies demonstrate that the variant alters normal MPZ function (PMID: 29687021); In silico analysis suggests that this missense variant does not alter protein structure/function; In silico analysis is inconclusive as to whether the variant alters gene splicing. In the absence of RNA/functional studies, the actual effect of this sequence change is unknown.; Missense variants in this gene are a common cause of disease and they are underrepresented in the general population; This variant is associated with the following publications: (PMID: 26310628, 20461396, 12805115, 30677751, 12845552, 29687021)

Athena Diagnostics
Classification: Pathogenic. Last evaluated: 2021-08-05. Review status: criteria provided, single submitter. Criteria: Athena Diagnostics Criteria. Collection method: clinical testing. Allele origin: unknown.
Comment: The frequency of this variant in the general population is consistent with pathogenicity. This variant associates with disease in multiple families. Assessment of experimental evidence suggests this variant results in abnormal protein function. This variant results in abnormal protein function by causing protein to be retained in the endoplasmic reticulum (ER) rather than being transported to the cell membrane or myelin sheath (PMID 29687021). The variant is located in a region that is considered important for protein function and/or structure.

Fulgent Genetics
Classification: Pathogenic for Charcot-Marie-Tooth disease type 1B; Dejerine-Sottas disease; Roussy-Lévy syndrome; Charcot-Marie-Tooth disease type 4E; Charcot-Marie-Tooth disease type 2I; Charcot-Marie-Tooth disease type 2J; Charcot-Marie-Tooth disease dominant intermediate D. Last evaluated: 2018-10-31. Review status: criteria provided, single submitter. Criteria: ACMG Guidelines, 2015. Collection method: clinical testing. Allele origin: unknown.

OMIM
Classification: Pathogenic for CHARCOT-MARIE-TOOTH DISEASE, TYPE 1B. Last evaluated: 2003-08-01. Review status: no assertion criteria provided. Collection method: literature only. Allele origin: germline. Not counted in ClinVar's aggregate classification.

Literature cited by the submitters: PubMed 12805115 (cited by 3 submitters); PubMed 12845552 (cited by 4 submitters); PubMed 26310628 (cited by Women's Health and Genetics/Laboratory Corporation of America, LabCorp and Athena Diagnostics); PubMed 29687021 (cited by Women's Health and Genetics/Laboratory Corporation of America, LabCorp and Athena Diagnostics); PubMed 33179255 (cited by Athena Diagnostics).